The following is an entry in ClinVar:

ClinVar aggregate classification (germline): Likely pathogenic (1 of 4 stars; one submission).

Conditions:
Multiple sulfatase deficiency (MSD). Also called: Mucosulfatidosis; Multiple Sulfatase Deficiency Disease; Sulfatidosis, Juvenile, Austin Type. Identifiers: Orphanet 585, MedGen C0268263, MONDO:0010088, OMIM 272200.

gnomAD v4.1: 1 of 1,614,106 alleles (0.000062%); highest among the groups gnomAD compares: Non-Finnish European, 0.000085%; no homozygotes.

Submission:

Natera, Inc.
Classification: Likely pathogenic for Multiple sulfatase deficiency. Last evaluated: 2024-12-12. Review status: criteria provided, single submitter. Criteria: Natera Variant Classification Schema (03/2026). Collection method: clinical testing. Allele origin: germline.
Comment: The c.640G>A variant in SUMF1 is a missense variant predicted to cause substitution of alanine to threonine at amino acid 214. This variant is rare in the general population with a frequency below the threshold expected for the associated phenotype(s). This variant has been observed in one or more individuals affected with the associated recessive disease, as either homozygous or compound heterozygous with a second variant (PMID: 32749716). This variant has been identified in one or more affected individuals with a phenotype highly consistent with the associated gene (PMID: 32749716). Computational prediction algorithms indicate this variant is likely to affect gene or protein function. Given the available evidence, this variant is classified as Likely Pathogenic.

Literature cited by the submitters: PubMed 32749716.

NM_182760.4(SUMF1):c.640G>A (p.Ala214Thr)

Gene: SUMF1 (sulfatase modifying factor 1; minus strand). Cytogenetic location: 3p26.1.
Variant type: single nucleotide variant.
Coding change: c.640G>A on transcript NM_182760.4 (MANE Select); coding-DNA position 640, G replaced by A.
Protein change: p.Ala214Thr; replaces alanine 214 with threonine.
Molecular consequence: missense variant.
Genome position (GRCh38, 1-based): chr3:4,418,095, C>T on the plus strand (G>A on the coding strand, the complement: SUMF1 is on the minus strand). VCF-style: chr3-4418095-C-T. GRCh37 (hg19) VCF-style: chr3-4459779-C-T.
Other names: c.565G>A, p.Ala189Thr (NM_001164674.2); c.640G>A, p.Ala214Thr (NM_001164675.2); short protein forms A189T, A214T.
Identifiers: ClinVar variation 4816998 (VCV004816998.1).